The following is an entry in ClinVar:

NM_000275.3(OCA2):c.2050_2051delinsC (p.Phe684fs)

Gene: OCA2 (OCA2 melanosomal transmembrane protein; minus strand). Cytogenetic location: 15q13.1.
Variant type: Indel.
Coding change: c.2050_2051delinsC on transcript NM_000275.3 (MANE Select); coding-DNA positions 2050 to 2051, TT replaced by C.
Protein change: p.Phe684fs; shifts the reading frame from phenylalanine 684.
Molecular consequence: frameshift variant.
Genome position (GRCh38, 1-based): chr15:27,926,155-27,926,156, AA replaced by G on the plus strand (TT replaced by C on the coding strand, the reverse complement: OCA2 is on the minus strand). VCF-style: chr15-27926155-AA-G. GRCh37 (hg19) VCF-style: chr15-28171301-AA-G.
Other names: c.1978_1979delinsC, p.Phe660fs (NM_001300984.2); short protein forms F660fs, F684fs.
Identifiers: ClinVar variation 5015784 (VCV005015784.1).

ClinVar aggregate classification (germline): Pathogenic (1 of 4 stars; one submission).

Conditions:
Tyrosinase-positive oculocutaneous albinism (OCA2). Also called: ALBINISM II; Oculocutaneous albinism type 2; Albinism, oculocutaneous, type II. Identifiers: Orphanet 79432, MedGen C0268495, MONDO:0008746, OMIM 203200.

Submission:

Myriad Genetics, Inc.
Classification: Pathogenic for Tyrosinase-positive oculocutaneous albinism. Last evaluated: 2026-04-10. Review status: criteria provided, single submitter. Criteria: Myriad Autosomal Dominant, Autosomal Recessive and X-Linked Classification Criteria (2023). Collection method: clinical testing. Allele origin: unknown.
Comment: NM_000275.2(OCA2):c.2050_2051delTTinsC(F684Lfs*8) is expected to be pathogenic in the context of oculocutaneous albinism, OCA2-related. This variant is predicted to lead to an abnormal or absent protein product due to the creation of a premature termination codon in OCA2, a gene where loss-of-function variants are known to be pathogenic. Please note: this variant was assessed in the context of healthy population screening.